The following is an entry in ClinVar:

NM_001004334.4(GPR179):c.6421G>A (p.Glu2141Lys)

Gene: GPR179 (G protein-coupled receptor 179; minus strand). Cytogenetic location: 17q12.
Variant type: single nucleotide variant.
Coding change: c.6421G>A on transcript NM_001004334.4 (MANE Select); coding-DNA position 6421, G replaced by A.
Protein change: p.Glu2141Lys; replaces glutamic acid 2141 with lysine.
Molecular consequence: missense variant.
Genome position (GRCh38, 1-based): chr17:38,327,148, C>T on the plus strand (G>A on the coding strand, the complement: GPR179 is on the minus strand). VCF-style: chr17-38327148-C-T. GRCh37 (hg19) VCF-style: chr17-36483031-C-T.
Other names: short protein forms E2141K.
Identifiers: ClinVar variation 1517660 (VCV001517660.5), dbSNP rs748103934, ClinGen allele CA290102949.

ClinVar aggregate classification (germline): Uncertain significance (1 of 4 stars; one submission).

Allele frequency attached by ClinVar (database versions not stated): gnomAD exomes below 0.00001 and 0.00001; ExAC 0.00001; TOPMed 0.00001; gnomAD 0.00004.
gnomAD v4.1: 8 of 1,614,142 alleles (0.0005%); highest among the groups gnomAD compares: Admixed American, 0.012%; no homozygotes.

Submission:

Labcorp Genetics (formerly Invitae), Labcorp
Classification: Uncertain significance. Last evaluated: 2024-10-22. Review status: criteria provided, single submitter. Criteria: Invitae Variant Classification Sherloc (09022015). Collection method: clinical testing. Allele origin: germline.
Comment: This sequence change replaces glutamic acid, which is acidic and polar, with lysine, which is basic and polar, at codon 2141 of the GPR179 protein (p.Glu2141Lys). This variant is present in population databases (rs748103934, gnomAD 0.006%). This variant has not been reported in the literature in individuals affected with GPR179-related conditions. ClinVar contains an entry for this variant (Variation ID: 1517660). An algorithm developed to predict the effect of missense changes on protein structure and function outputs the following: PolyPhen-2: "Benign". The lysine amino acid residue is found in multiple mammalian species, which suggests that this missense change does not adversely affect protein function. In summary, the available evidence is currently insufficient to determine the role of this variant in disease. Therefore, it has been classified as a Variant of Uncertain Significance.